The following is an entry in ClinVar:

ClinVar aggregate classification (germline): Uncertain significance. Review status: criteria provided, multiple submitters, no conflicts (2 of 4 stars). 3 submissions from 2 submitters: Uncertain significance (3). Last evaluated 2024-10-31.

Conditions:
GTP cyclohydrolase I deficiency. Identifiers: MedGen C0268467, MONDO:0100184.
Dystonia 5 (DRD). Also called: GTP Cyclohydrolase 1-Deficient Dopa-Responsive Dystonia; Dystonia, DOPA-responsive, with or without hyperphenylalaninemia; DYSTONIA, PROGRESSIVE, WITH DIURNAL VARIATION; DYSTONIA-PARKINSONISM WITH DIURNAL FLUCTUATION; DYT-GCH1. Identifiers: Orphanet 98808, MedGen C1851920, MONDO:0007495, OMIM 128230.

Allele frequency attached by ClinVar (database versions not stated): TOPMed below 0.00001; ExAC 0.00001; gnomAD 0.00001; gnomAD exomes 0.00001; ESP Exome Variant Server 0.00008.
gnomAD v4.1: 12 of 1,612,250 alleles (0.00074%); highest among the groups gnomAD compares: Middle Eastern, 0.017%; no homozygotes.

Submissions (3):

Labcorp Genetics (formerly Invitae), Labcorp
Classification: Uncertain significance for GTP cyclohydrolase I deficiency; Dystonia 5. Last evaluated: 2024-10-31. Review status: criteria provided, single submitter. Criteria: Invitae Variant Classification Sherloc (09022015). Collection method: clinical testing. Allele origin: germline.
Comment: This sequence change replaces threonine, which is neutral and polar, with alanine, which is neutral and non-polar, at codon 112 of the GCH1 protein (p.Thr112Ala). This variant is present in population databases (rs199990434, gnomAD 0.003%). This missense change has been observed in individual(s) with clinical features of GCH1-related conditions (PMID: 25150291). ClinVar contains an entry for this variant (Variation ID: 881376). Invitae Evidence Modeling of protein sequence and biophysical properties (such as structural, functional, and spatial information, amino acid conservation, physicochemical variation, residue mobility, and thermodynamic stability) indicates that this missense variant is not expected to disrupt GCH1 protein function with a negative predictive value of 80%. Experimental studies have shown that this missense change does not substantially affect GCH1 function (PMID: 25150291). In summary, the available evidence is currently insufficient to determine the role of this variant in disease. Therefore, it has been classified as a Variant of Uncertain Significance.

Illumina Laboratory Services, Illumina
Classification: Uncertain significance for GTP cyclohydrolase I deficiency with hyperphenylalaninemia. Last evaluated: 2017-04-27. Review status: criteria provided, single submitter. Criteria: ICSL Variant Classification Criteria 13 December 2019. Collection method: clinical testing. Allele origin: germline.
Comment: This variant was observed as part of a predisposition screen in an ostensibly healthy population. A literature search was performed for the gene, cDNA change, and amino acid change (where applicable). Publications were found based on this search. However, the evidence from the literature, in combination with allele frequency data from public databases where available, was not sufficient to rule this variant in or out of causing disease. Therefore, this variant is classified as a variant of unknown significance.

Illumina Laboratory Services, Illumina
Classification: Uncertain significance for Dystonia 5. Last evaluated: 2017-04-27. Review status: criteria provided, single submitter. Criteria: ICSL Variant Classification Criteria 13 December 2019. Collection method: clinical testing. Allele origin: germline.
Comment: the same text as in the submission from Illumina Laboratory Services, Illumina above.

Literature cited by the submitters: PubMed 25150291 (cited by Labcorp Genetics (formerly Invitae), Labcorp); PubMed 25416181 (cited by Illumina Laboratory Services, Illumina); PubMed 25398234 (cited by Illumina Laboratory Services, Illumina).

NM_000161.3(GCH1):c.334A>G (p.Thr112Ala)

Gene: GCH1 (GTP cyclohydrolase 1; minus strand). Cytogenetic location: 14q22.2.
Variant type: single nucleotide variant.
Coding change: c.334A>G on transcript NM_000161.3 (MANE Select); coding-DNA position 334, A replaced by G.
Protein change: p.Thr112Ala; replaces threonine 112 with alanine.
Molecular consequence: missense variant.
Genome position (GRCh38, 1-based): chr14:54,902,330, T>C on the plus strand (A>G on the coding strand, the complement: GCH1 is on the minus strand). VCF-style: chr14-54902330-T-C. GRCh37 (hg19) VCF-style: chr14-55369048-T-C.
Other names: c.334A>G, p.Thr112Ala (NM_001024024.2, NM_001024070.2, NM_001024071.2); short protein forms T112A.
Identifiers: ClinVar variation 881376 (VCV000881376.7), dbSNP rs199990434, ClinGen allele CA7193634.